The following is an entry in ClinVar:

ClinVar aggregate classification (germline): Benign (1 of 4 stars; one submission).

Allele frequency attached by ClinVar (database versions not stated): gnomAD 0.28709 and 0.28298; 1000 Genomes Project 30x 0.31964; TOPMed 0.28291; gnomAD exomes 0.28997; 1000 Genomes Project 0.32967.
gnomAD v4.1: 304,704 of 1,051,772 alleles (29%); highest among the groups gnomAD compares: East Asian, 69%; 48,592 homozygotes.

Submission:

GeneDx
Classification: Benign. Last evaluated: 2018-06-18. Review status: criteria provided, single submitter. Criteria: GeneDx Variant Classification (06012015). Collection method: clinical testing. Allele origin: germline. Affected: yes.
Comment: This variant is considered likely benign or benign based on one or more of the following criteria: it is a conservative change, it occurs at a poorly conserved position in the protein, it is predicted to be benign by multiple in silico algorithms, and/or has population frequency not consistent with disease.

NM_021625.5(TRPV4):c.387-110A>G

Gene: TRPV4 (transient receptor potential cation channel subfamily V member 4; minus strand). Cytogenetic location: 12q24.11.
Variant type: single nucleotide variant.
Coding change: c.387-110A>G on transcript NM_021625.5 (MANE Select); 110 bases into the intron before coding-DNA position 387, A replaced by G.
Molecular consequence: intron variant.
Genome position (GRCh38, 1-based): chr12:109,808,578, T>C on the plus strand (A>G on the coding strand, the complement: TRPV4 is on the minus strand). VCF-style: chr12-109808578-T-C. GRCh37 (hg19) VCF-style: chr12-110246383-T-C.
Other names: c.387-110A>G (NM_001177433.1, NM_001177428.1, NM_147204.2); c.285-110A>G (NM_001177431.1).
Identifiers: ClinVar variation 670249 (VCV000670249.1), dbSNP rs3742031, ClinGen allele CA16455765.